The following is an entry in ClinVar:

ClinVar aggregate classification (germline): Uncertain significance (1 of 4 stars; one submission).

gnomAD v4.1: 1 of 1,578,458 alleles (0.000063%); highest among the groups gnomAD compares: Non-Finnish European, 0.000086%; no homozygotes.

Submission:

CeGaT Center for Human Genetics Tuebingen
Classification: Uncertain significance. Last evaluated: 2025-02-01. Review status: criteria provided, single submitter. Criteria: CeGaT Center For Human Genetics Tuebingen Variant Classification Criteria Version 2. Collection method: clinical testing. Allele origin: germline. Affected: yes. Observed: 1 variant allele.
Comment: PDE6B: PM2, PM5:Supporting, PP3

NM_000283.4(PDE6B):c.1683C>A (p.His561Gln)

Gene: PDE6B (phosphodiesterase 6B; plus strand). Cytogenetic location: 4p16.3.
Variant type: single nucleotide variant.
Coding change: c.1683C>A on transcript NM_000283.4 (MANE Select); coding-DNA position 1683, C replaced by A.
Protein change: p.His561Gln; replaces histidine 561 with glutamine.
Molecular consequence: missense variant.
Genome position (GRCh38, 1-based): chr4:662,202, C>A. VCF-style: chr4-662202-C-A. GRCh37 (hg19) VCF-style: chr4-655991-C-A.
Other names: c.1683C>A, p.His561Gln (NM_001145291.2); c.846C>A, p.His282Gln (NM_001145292.2, NM_001350154.3, NM_001379246.1 and 1 more transcripts); c.528C>A, p.His176Gln (NM_001350155.3); short protein forms H176Q, H282Q, H561Q.
Identifiers: ClinVar variation 3771162 (VCV003771162.13).